The following is an entry in ClinVar:

ClinVar aggregate classification (germline): Benign. Review status: reviewed by expert panel (3 of 4 stars). 12 submissions from 12 submitters: Benign (1). 11 of the submissions do not count toward it. Last evaluated 2017-04-18.

Conditions:
Noonan syndrome and Noonan-related syndrome. Identifiers: Orphanet 98733, MedGen C5681679, MONDO:0020297.
Cardiovascular phenotype. Identifiers: MedGen CN230736.
RASopathy. Also called: Noonan spectrum disorder; rasopathies. Identifiers: Orphanet 536391, MedGen C5555857, MONDO:0021060.
Noonan syndrome-like disorder with loose anagen hair 1 (NSLH1). Also called: MAZZANTI SYNDROME; TOSTI SYNDROME. Identifiers: Orphanet 2701, MedGen C4478716, MONDO:0054637, OMIM 607721.

Allele frequency attached by ClinVar (database versions not stated): 1000 Genomes Project 0.00639; 1000 Genomes Project 30x 0.00656; TOPMed 0.01053; ExAC 0.01221; gnomAD 0.01260 and 0.01281; gnomAD exomes 0.01289 and 0.01769; ESP Exome Variant Server 0.01292.
gnomAD v4.1: 27,733 of 1,614,080 alleles (1.7%); highest among the groups gnomAD compares: Non-Finnish European, 2%; 261 homozygotes.

Submissions (12):

ClinGen RASopathy Variant Curation Expert Panel
Classification: Benign for Noonan syndrome and Noonan-related syndrome. Last evaluated: 2017-04-18. Review status: reviewed by expert panel. Criteria: ClinGen RASopathy ACMG Specifications v1. Collection method: curation. Allele origin: germline. Inheritance: Autosomal dominant inheritance.
Comment: The filtering allele frequency of the c.457C>T (p.Leu153=) variant in the SHOC2 gene is 1.574% (1104/66696) of European chromosomes by the Exome Aggregation Consortium, which is a high enough frequency to be classified as benign based on thresholds defined by the ClinGen RASopathy Expert Panel (BA1; PMID:29493581)

Labcorp Genetics (formerly Invitae), Labcorp
Classification: Benign for RASopathy. Last evaluated: 2026-02-03. Review status: criteria provided, single submitter. Criteria: Invitae Variant Classification Sherloc (09022015). Collection method: clinical testing. Allele origin: germline. Not counted in ClinVar's aggregate classification.

Blueprint Genetics
Classification: Likely benign. Last evaluated: 2024-11-27. Review status: criteria provided, single submitter. Criteria: ACMG Guidelines, 2015. Collection method: clinical testing. Allele origin: germline. Not counted in ClinVar's aggregate classification.

ARUP Laboratories, Molecular Genetics and Genomics, ARUP Laboratories
Classification: Benign for Noonan syndrome-like disorder with loose anagen hair 1. Last evaluated: 2023-11-22. Review status: criteria provided, single submitter. Criteria: ARUP Molecular Germline Variant Investigation Process 2024. Collection method: clinical testing. Allele origin: germline. Not counted in ClinVar's aggregate classification.

CeGaT Center for Human Genetics Tuebingen
Classification: Benign. Last evaluated: 2022-12-01. Review status: criteria provided, single submitter. Criteria: CeGaT Center For Human Genetics Tuebingen Variant Classification Criteria Version 2. Collection method: clinical testing. Allele origin: germline. Affected: yes. Observed: 9 variant alleles. Not counted in ClinVar's aggregate classification.
Comment: SHOC2: BP4, BP7, BS1, BS2

Genome Diagnostics Laboratory, The Hospital for Sick Children
Classification: Benign for Noonan syndrome and Noonan-related syndrome. Last evaluated: 2021-03-30. Review status: criteria provided, single submitter. Criteria: ACMG Guidelines, 2015. Collection method: clinical testing. Allele origin: germline. Not counted in ClinVar's aggregate classification.

Ambry Genetics
Classification: Benign for Cardiovascular phenotype. Last evaluated: 2020-06-23. Review status: criteria provided, single submitter. Criteria: Ambry Variant Classification Scheme 2023. Collection method: clinical testing. Allele origin: germline. Not counted in ClinVar's aggregate classification.

Illumina Laboratory Services, Illumina
Classification: Benign for Noonan syndrome-like disorder with loose anagen hair 1. Last evaluated: 2018-01-12. Review status: criteria provided, single submitter. Criteria: ICSL Variant Classification Criteria 13 December 2019. Collection method: clinical testing. Allele origin: germline. Not counted in ClinVar's aggregate classification.
Comment: This variant was observed in the ICSL laboratory as part of a predisposition screen in an ostensibly healthy population. It had not been previously curated by ICSL or reported in the Human Gene Mutation Database (HGMD: prior to June 1st, 2018), and was therefore a candidate for classification through an automated scoring system. Utilizing variant allele frequency, disease prevalence and penetrance estimates, and inheritance mode, an automated score was calculated to assess if this variant is too frequent to cause the disease. Based on the score and internal cut-off values, a variant classified as benign is not then subjected to further curation. The score for this variant resulted in a classification of benign for this disease.

Mayo Clinic Laboratories, Mayo Clinic
Classification: Benign. Last evaluated: 2015-04-14. Review status: criteria provided, single submitter. Criteria: ACMG Guidelines, 2015. Collection method: clinical testing. Allele origin: germline. Observed: 37 variant alleles. Not counted in ClinVar's aggregate classification.

GeneDx
Classification: Benign. Last evaluated: 2012-01-24. Review status: criteria provided, single submitter. Criteria: GeneDx Variant Classification (06012015). Collection method: clinical testing. Allele origin: germline. Affected: yes. Not counted in ClinVar's aggregate classification.
Comment: This variant is considered likely benign or benign based on one or more of the following criteria: it is a conservative change, it occurs at a poorly conserved position in the protein, it is predicted to be benign by multiple in silico algorithms, and/or has population frequency not consistent with disease.

Breakthrough Genomics
Classification: Benign. Review status: criteria provided, single submitter. Criteria: ACMG Guidelines, 2015. Collection method: not provided. Allele origin: germline. Inheritance: Autosomal dominant inheritance. Affected: yes. Not counted in ClinVar's aggregate classification.

PreventionGenetics, part of Exact Sciences
Classification: Benign. Review status: criteria provided, single submitter. Criteria: ACMG Guidelines, 2015. Collection method: clinical testing. Allele origin: germline. Not counted in ClinVar's aggregate classification.

NM_007373.4(SHOC2):c.457C>T (p.Leu153=)

Gene: SHOC2 (SHOC2 leucine rich repeat scaffold protein; plus strand). Cytogenetic location: 10q25.2.
Variant type: single nucleotide variant.
Coding change: c.457C>T on transcript NM_007373.4 (MANE Select); coding-DNA position 457, C replaced by T.
Protein change: p.Leu153=; no amino-acid change (leucine 153 retained).
Molecular consequence: synonymous variant.
Genome position (GRCh38, 1-based): chr10:110,964,815, C>T. VCF-style: chr10-110964815-C-T. GRCh37 (hg19) VCF-style: chr10-112724573-C-T.
Other names: p.L153L:CTA>TTA; NM_007373.3(SHOC2):c.457C>T; c.457C>T, p.Leu153= (NM_001269039.3, NM_001324336.2, NM_001324337.2).
Identifiers: ClinVar variation 139104 (VCV000139104.61), dbSNP rs34081996, ClinGen allele CA333154.